The following is an entry in ClinVar:

ClinVar aggregate classification (germline): Pathogenic (1 of 4 stars; one submission).

Conditions:
Hereditary nonpolyposis colorectal neoplasms. Identifiers: MedGen C0009405, MeSH D003123.

Submission:

Labcorp Genetics (formerly Invitae), Labcorp
Classification: Pathogenic for Hereditary nonpolyposis colorectal neoplasms. Last evaluated: 2025-09-11. Review status: criteria provided, single submitter. Criteria: Invitae Variant Classification Sherloc (09022015). Collection method: clinical testing. Allele origin: germline.
Comment: This sequence change inserts a large fragment of DNA, likely a transposable element, in exon 8 of the MSH6 gene (c.3696_3697ins?), causing a frameshift at codon 1233 (p.Lys1233fs). The exact size and sequence of the insertion cannot be determined by the current assay. However, the insertion is expected to result in an absent or disrupted protein product. This variant is not present in population databases (gnomAD no frequency). This variant has not been reported in the literature in individuals affected with MSH6-related conditions. Retrotransposon insertions including LINE1 (L1), Alu, and SVA (SINE-VNTR-Alu) have been reported to be disease-causing through disruption of either a coding region or splice site (PMID: 19763152, 20307669, 22406018) and loss-of-function variants in MSH6 are known to be pathogenic (PMID: 18269114, 24362816). For these reasons, this variant has been classified as Pathogenic.

Literature cited by the submitters: PubMed 19763152; PubMed 20307669; PubMed 22406018; PubMed 18269114; PubMed 24362816.

NM_000179.3(MSH6):c.3696_3697insTTTTTTTTTTTTTTTTTTTTNNNNNNNNNNGGCAGGAGAATCAGGCAGGGAGGTTGCAGTGAGCCGAGATGGCAGAAGTACAGTCCAGCTTCGGCTCGGCATCACAAATGCAGTTGTT (p.Lys1233delinsPhePhePhePhePhePheXaaXaaXaaXaaGlyArgArgIleArgGlnGlyGlyCysSerGluProArgTrpGlnLysTyrSerProAlaSerAlaArgHisHisLysCysSerCysTer)

Gene: MSH6 (mutS homolog 6; plus strand). Cytogenetic location: 2p16.3.
Variant type: Insertion.
Coding change: c.3696_3697insTTTTTTTTTTTTTTTTTTTTNNNNNNNNNNGGCAGGAGAATCAGGCAGGGAGGTTGCAGTGAGCCGAGATGGCAGAAGTACAGTCCAGCTTCGGCTCGGCATCACAAATGCAGTTGTT on transcript NM_000179.3 (MANE Select); coding-DNA positions 3696 to 3697, TTTTTTTTTTTTTTTTTTTTNNNNNNNNNNGGCAGGAGAATCAGGCAGGGAGGTTGCAGTGAGCCGAGATGGCAGAAGTACAGTCCAGCTTCGGCTCGGCATCACAAATGCAGTTGTT inserted.
Protein change: p.Lys1233delinsPhePhePhePhePhePheXaaXaaXaaXaaGlyArgArgIleArgGlnGlyGlyCysSerGluProArgTrpGlnLysTyrSerProAlaSerAlaArgHisHisLysCysSerCysTer.
Molecular consequence: nonsense. On other transcripts: non-coding transcript variant (5).
Genome position: GRCh38: chr2:47,806,253-47,806,254. GRCh37 (hg19): chr2:48,033,392-48,033,393.
Other names: c.3306_3307insTTTTTTTTTTTTTTTTTTTTNNNNNNNNNNGGCAGGAGAATCAGGCAGGGAGGTTGCAGTGAGCCGAGATGGCAGAAGTACAGTCCAGCTTCGGCTCGGCATCACAAATGCAGTTGTT, p.Lys1103delinsPhePhePhePhePhePheXaaXaaXaaXaaGlyArgArgIleArgGlnGlyGlyCysSerGluProArgTrpGlnLysTyrSerProAlaSerAlaArgHisHisLysCysSerCysTer (NM_001281492.2); c.2790_2791insTTTTTTTTTTTTTTTTTTTTNNNNNNNNNNGGCAGGAGAATCAGGCAGGGAGGTTGCAGTGAGCCGAGATGGCAGAAGTACAGTCCAGCTTCGGCTCGGCATCACAAATGCAGTTGTT, p.Lys931delinsPhePhePhePhePhePheXaaXaaXaaXaaGlyArgArgIleArgGlnGlyGlyCysSerGluProArgTrpGlnLysTyrSerProAlaSerAlaArgHisHisLysCysSerCysTer (NM_001281493.2, NM_001281494.2, NM_001406811.1 and 6 more transcripts); c.3792_3793insTTTTTTTTTTTTTTTTTTTTNNNNNNNNNNGGCAGGAGAATCAGGCAGGGAGGTTGCAGTGAGCCGAGATGGCAGAAGTACAGTCCAGCTTCGGCTCGGCATCACAAATGCAGTTGTT, p.Lys1265delinsPhePhePhePhePhePheXaaXaaXaaXaaGlyArgArgIleArgGlnGlyGlyCysSerGluProArgTrpGlnLysTyrSerProAlaSerAlaArgHisHisLysCysSerCysTer (NM_001406795.1, NM_001406802.1); c.3696_3697insTTTTTTTTTTTTTTTTTTTTNNNNNNNNNNGGCAGGAGAATCAGGCAGGGAGGTTGCAGTGAGCCGAGATGGCAGAAGTACAGTCCAGCTTCGGCTCGGCATCACAAATGCAGTTGTT, p.Lys1233delinsPhePhePhePhePhePheXaaXaaXaaXaaGlyArgArgIleArgGlnGlyGlyCysSerGluProArgTrpGlnLysTyrSerProAlaSerAlaArgHisHisLysCysSerCysTer (NM_001406796.1, NM_001406800.1, NM_001406808.1 and 1 more transcripts); c.3399_3400insTTTTTTTTTTTTTTTTTTTTNNNNNNNNNNGGCAGGAGAATCAGGCAGGGAGGTTGCAGTGAGCCGAGATGGCAGAAGTACAGTCCAGCTTCGGCTCGGCATCACAAATGCAGTTGTT, p.Lys1134delinsPhePhePhePhePhePheXaaXaaXaaXaaGlyArgArgIleArgGlnGlyGlyCysSerGluProArgTrpGlnLysTyrSerProAlaSerAlaArgHisHisLysCysSerCysTer (NM_001406797.1, NM_001406801.1, NM_001406805.1 and 10 more transcripts); c.3522_3523insTTTTTTTTTTTTTTTTTTTTNNNNNNNNNNGGCAGGAGAATCAGGCAGGGAGGTTGCAGTGAGCCGAGATGGCAGAAGTACAGTCCAGCTTCGGCTCGGCATCACAAATGCAGTTGTT, p.Lys1175delinsPhePhePhePhePhePheXaaXaaXaaXaaGlyArgArgIleArgGlnGlyGlyCysSerGluProArgTrpGlnLysTyrSerProAlaSerAlaArgHisHisLysCysSerCysTer (NM_001406798.1); c.3171_3172insTTTTTTTTTTTTTTTTTTTTNNNNNNNNNNGGCAGGAGAATCAGGCAGGGAGGTTGCAGTGAGCCGAGATGGCAGAAGTACAGTCCAGCTTCGGCTCGGCATCACAAATGCAGTTGTT, p.Lys1058delinsPhePhePhePhePhePheXaaXaaXaaXaaGlyArgArgIleArgGlnGlyGlyCysSerGluProArgTrpGlnLysTyrSerProAlaSerAlaArgHisHisLysCysSerCysTer (NM_001406799.1, NM_001406806.1, NM_001406807.1); c.2832_2833insTTTTTTTTTTTTTTTTTTTTNNNNNNNNNNGGCAGGAGAATCAGGCAGGGAGGTTGCAGTGAGCCGAGATGGCAGAAGTACAGTCCAGCTTCGGCTCGGCATCACAAATGCAGTTGTT, p.Lys945delinsPhePhePhePhePhePheXaaXaaXaaXaaGlyArgArgIleArgGlnGlyGlyCysSerGluProArgTrpGlnLysTyrSerProAlaSerAlaArgHisHisLysCysSerCysTer (NM_001406803.1); and 7 more.
Identifiers: ClinVar variation 4727051 (VCV004727051.1).